The following is an entry in ClinVar:

NM_182914.3(SYNE2):c.55G>A (p.Asp19Asn)

Gene: SYNE2 (spectrin repeat containing nuclear envelope protein 2; plus strand). Cytogenetic location: 14q23.2.
Variant type: single nucleotide variant.
Coding change: c.55G>A on transcript NM_182914.3 (MANE Select); coding-DNA position 55, G replaced by A.
Protein change: p.Asp19Asn; replaces aspartic acid 19 with asparagine.
Molecular consequence: missense variant.
Genome position (GRCh38, 1-based): chr14:63,909,203, G>A. VCF-style: chr14-63909203-G-A. GRCh37 (hg19) VCF-style: chr14-64375921-G-A.
Other names: c.55G>A, p.Asp19Asn (NM_015180.6); short protein forms D19N.
Identifiers: ClinVar variation 2407681 (VCV002407681.6), dbSNP rs1011315005, ClinGen allele CA261788015.

ClinVar aggregate classification (germline): Uncertain significance. Review status: criteria provided, multiple submitters, no conflicts (2 of 4 stars). 2 submissions from 2 submitters: Uncertain significance (2). Last evaluated 2026-06-11.

Conditions:
Emery-Dreifuss muscular dystrophy 5, autosomal dominant (EDMD5). Also called: EMERY-DREIFUSS MUSCULAR DYSTROPHY 5. Identifiers: Orphanet 261, MedGen C2751805, MONDO:0013072, OMIM 612999.

Allele frequency attached by ClinVar (database versions not stated): TOPMed 0.00003; gnomAD 0.00005.
gnomAD v4.1: 12 of 1,612,546 alleles (0.00074%); highest among the groups gnomAD compares: African/African-American, 0.011%; no homozygotes.

Submissions (2):

Ambry Genetics
Classification: Uncertain significance. Last evaluated: 2026-06-11. Review status: criteria provided, single submitter. Criteria: Ambry Variant Classification Scheme 2023. Collection method: clinical testing. Allele origin: germline.

Labcorp Genetics (formerly Invitae), Labcorp
Classification: Uncertain significance for Emery-Dreifuss muscular dystrophy 5, autosomal dominant. Last evaluated: 2023-09-29. Review status: criteria provided, single submitter. Criteria: Invitae Variant Classification Sherloc (09022015). Collection method: clinical testing. Allele origin: germline.
Comment: In summary, the available evidence is currently insufficient to determine the role of this variant in disease. Therefore, it has been classified as a Variant of Uncertain Significance. An algorithm developed to predict the effect of missense changes on protein structure and function (PolyPhen-2) suggests that this variant is likely to be tolerated. ClinVar contains an entry for this variant (Variation ID: 2407681). This variant has not been reported in the literature in individuals affected with SYNE2-related conditions. This variant is present in population databases (no rsID available, gnomAD 0.008%). This sequence change replaces aspartic acid, which is acidic and polar, with asparagine, which is neutral and polar, at codon 19 of the SYNE2 protein (p.Asp19Asn).